The following is an entry in ClinVar:

ClinVar aggregate classification (germline): Uncertain significance (1 of 4 stars; one submission).

Conditions:
TET3-related disorder. Also called: TET3-Related Disease; TET3-related condition.

gnomAD v4.1: 1 of 1,529,338 alleles (0.000065%); highest among the groups gnomAD compares: African/African-American, 0.0014%; no homozygotes.

Submission:

PreventionGenetics, part of Exact Sciences
Classification: Uncertain significance for TET3-related condition. Last evaluated: 2025-07-08. Review status: criteria provided, single submitter. Criteria: ACMG Guidelines, 2015. Collection method: clinical testing. Allele origin: germline.
Comment: The TET3 c.442C>G variant is predicted to result in the amino acid substitution p.Gln148Glu. To our knowledge, this variant has not been reported in the literature. This variant is reported in 0.011% of alleles in individuals of African descent in gnomAD. At this time, the clinical significance of this variant is uncertain due to the absence of conclusive functional and genetic evidence.

NM_001287491.2(TET3):c.442C>G (p.Gln148Glu)

Gene: TET3 (tet methylcytosine dioxygenase 3; plus strand). Cytogenetic location: 2p13.1.
Variant type: single nucleotide variant.
Coding change: c.442C>G on transcript NM_001287491.2 (MANE Select); coding-DNA position 442, C replaced by G.
Protein change: p.Gln148Glu; replaces glutamine 148 with glutamic acid.
Molecular consequence: missense variant.
Genome position (GRCh38, 1-based): chr2:74,046,359, C>G. VCF-style: chr2-74046359-C-G. GRCh37 (hg19) VCF-style: chr2-74273486-C-G.
Other names: c.163C>G, p.Gln55Glu (NM_001366022.1); short protein forms Q55E, Q148E.
Identifiers: ClinVar variation 4984317 (VCV004984317.1).